The following is an entry in ClinVar:

ClinVar aggregate classification (germline): Likely benign. Review status: criteria provided, multiple submitters, no conflicts (2 of 4 stars). 2 submissions from 2 submitters: Likely benign (2). Last evaluated 2025-07-14.

Conditions:
Familial hemiplegic migraine. Identifiers: MedGen C0338484, MONDO:0000700.

Allele frequency attached by ClinVar (database versions not stated): gnomAD exomes below 0.00001 and 0.00001; TOPMed 0.00001.
gnomAD v4.1: 12 of 1,614,222 alleles (0.00074%); highest among the groups gnomAD compares: East Asian, 0.0022%; no homozygotes.

Submissions (2):

Labcorp Genetics (formerly Invitae), Labcorp
Classification: Likely benign for Familial hemiplegic migraine. Last evaluated: 2025-07-14. Review status: criteria provided, single submitter. Criteria: Invitae Variant Classification Sherloc (09022015). Collection method: clinical testing. Allele origin: germline.

GeneDx
Classification: Likely benign. Last evaluated: 2016-02-15. Review status: criteria provided, single submitter. Criteria: GeneDx Variant Classification (06012015). Collection method: clinical testing. Allele origin: germline. Affected: yes.
Comment: This variant is considered likely benign or benign based on one or more of the following criteria: it is a conservative change, it occurs at a poorly conserved position in the protein, it is predicted to be benign by multiple in silico algorithms, and/or has population frequency not consistent with disease.

NM_000702.4(ATP1A2):c.1590G>A (p.Glu530=)

Gene: ATP1A2 (ATPase Na+/K+ transporting subunit alpha 2; plus strand). Cytogenetic location: 1q23.2.
Variant type: single nucleotide variant.
Coding change: c.1590G>A on transcript NM_000702.4 (MANE Select); coding-DNA position 1590, G replaced by A.
Protein change: p.Glu530=; no amino-acid change (glutamic acid 530 retained).
Molecular consequence: synonymous variant.
Genome position (GRCh38, 1-based): chr1:160,130,230, G>A. VCF-style: chr1-160130230-G-A. GRCh37 (hg19) VCF-style: chr1-160100020-G-A.
Identifiers: ClinVar variation 383700 (VCV000383700.10), dbSNP rs1042062045, ClinGen allele CA16603497.